The following is an entry in ClinVar:

ClinVar aggregate classification (germline): Likely benign (1 of 4 stars; one submission).

Submission:

CeGaT Center for Human Genetics Tuebingen
Classification: Likely benign. Last evaluated: 2022-08-01. Review status: criteria provided, single submitter. Criteria: CeGaT Center For Human Genetics Tuebingen Variant Classification Criteria Version 2. Collection method: clinical testing. Allele origin: germline. Affected: yes. Observed: 1 variant allele.
Comment: ABCA1: PM2:Supporting, BP4, BP7

NM_005502.4(ABCA1):c.2820G>T (p.Thr940=)

Gene: ABCA1 (ATP binding cassette subfamily A member 1; minus strand). Cytogenetic location: 9q31.1.
Variant type: single nucleotide variant.
Coding change: c.2820G>T on transcript NM_005502.4 (MANE Select); coding-DNA position 2820, G replaced by T.
Protein change: p.Thr940=; no amino-acid change (threonine 940 retained).
Molecular consequence: synonymous variant.
Genome position (GRCh38, 1-based): chr9:104,822,504, C>A on the plus strand (G>T on the coding strand, the complement: ABCA1 is on the minus strand). VCF-style: chr9-104822504-C-A. GRCh37 (hg19) VCF-style: chr9-107584785-C-A.
Identifiers: ClinVar variation 1711690 (VCV001711690.30), dbSNP rs779685980, ClinGen allele CA466506687.